The following is an entry in ClinVar:

NM_031421.5(ODAD4):c.625+6G>A

Gene: ODAD4 (outer dynein arm docking complex subunit 4; plus strand). Cytogenetic location: 17q21.2.
Variant type: single nucleotide variant.
Coding change: c.625+6G>A on transcript NM_031421.5 (MANE Select); 6 bases into the intron after coding-DNA position 625, G replaced by A.
Molecular consequence: intron variant.
Genome position (GRCh38, 1-based): chr17:41,936,933, G>A. VCF-style: chr17-41936933-G-A. GRCh37 (hg19) VCF-style: chr17-40093186-G-A.
Other names: c.625+6G>A (NM_001350319.2).
Identifiers: ClinVar variation 3388894 (VCV003388894.14).

ClinVar aggregate classification (germline): Likely benign (1 of 4 stars; one submission).

gnomAD v4.1: 104 of 1,612,750 alleles (0.0064%); highest among the groups gnomAD compares: Admixed American, 0.025%; no homozygotes.

Submission:

CeGaT Center for Human Genetics Tuebingen
Classification: Likely benign. Last evaluated: 2025-09-01. Review status: criteria provided, single submitter. Criteria: CeGaT Center For Human Genetics Tuebingen Variant Classification Criteria Version 2. Collection method: clinical testing. Allele origin: germline. Affected: yes. Observed: 2 variant alleles.
Comment: ODAD4: BP4